The following is an entry in ClinVar:

ClinVar aggregate classification (germline): Uncertain significance (1 of 4 stars; one submission).

Submission:

Women's Health and Genetics/Laboratory Corporation of America, LabCorp
Classification: Uncertain significance. Last evaluated: 2026-05-11. Review status: criteria provided, single submitter. Criteria: LabCorp Variant Classification Summary - May 2015. Collection method: clinical testing. Allele origin: germline.
Comment: Variant summary: CNOT1 c.6883G>A (p.Ala2295Thr) results in a non-conservative amino acid change in the encoded protein sequence. Algorithms developed to predict the effect of missense changes on protein structure and function are either unavailable or do not agree on the potential impact of this missense change. The variant was absent in 250982 control chromosomes. The available data on variant occurrences in the general population are insufficient to allow any conclusion about variant significance. To our knowledge, no occurrence of c.6883G>A in individuals affected with CNOT1-related conditions and no experimental evidence demonstrating its impact on protein function have been reported. No submitters have cited clinical-significance assessments for this variant to ClinVar. Based on the evidence outlined above, the variant was classified as uncertain significance.

NM_016284.5(CNOT1):c.6883G>A (p.Ala2295Thr)

Genes: CNOT1 (CCR4-NOT transcription complex subunit 1; minus strand), SETD6 (SET domain containing 6, protein lysine methyltransferase; plus strand). Cytogenetic location: 16q21.
Variant type: single nucleotide variant.
Coding change: c.6883G>A on transcript NM_016284.5 (MANE Select); coding-DNA position 6883, G replaced by A.
Protein change: p.Ala2295Thr; replaces alanine 2295 with threonine.
Molecular consequence: missense variant. On other transcripts: non-coding transcript variant (1), 3 prime UTR variant (1).
Genome position (GRCh38, 1-based): chr16:58,523,404, C>T on the plus strand (G>A on the coding strand, the complement: CNOT1 is on the minus strand). VCF-style: chr16-58523404-C-T. GRCh37 (hg19) VCF-style: chr16-58557308-C-T.
Other names: c.6868G>A, p.Ala2290Thr (NM_001265612.2); c.*4375C>T (NM_001160305.4); short protein forms A2290T, A2295T.
Identifiers: ClinVar variation 4849194 (VCV004849194.2).